The following is an entry in ClinVar:

ClinVar aggregate classification (germline): Pathogenic/Likely pathogenic. Review status: criteria provided, multiple submitters, no conflicts (2 of 4 stars). 3 submissions from 3 submitters: Pathogenic (1); Likely pathogenic (1). 1 of the submissions does not count toward it. Last evaluated 2023-07-17.

Conditions:
Lethal congenital contracture syndrome 9 (LCCS9). Identifiers: MedGen C4225303, MONDO:0014670, OMIM 616503.
Arthrogryposis multiplex congenita (AMC). Also called: Guérin-Stern syndrome; Congenital multiple arthrogryposis; Fibrous ankylosis of multiple joints; Congenital arthromyodysplasia; Myodystrophia fetalis deformans; Otto syndrome. Identifiers: Orphanet 1037, MedGen C5779613, MeSH D001176, MONDO:0015168, HP:0002804.

Submissions (3):

Victorian Clinical Genetics Services, Murdoch Childrens Research Institute
Classification: Likely pathogenic for Lethal congenital contracture syndrome 9. Last evaluated: 2023-07-17. Review status: criteria provided, single submitter. Criteria: ACMG Guidelines, 2015. Collection method: clinical testing. Allele origin: germline. Inheritance: Autosomal recessive inheritance. Affected: yes.
Comment: Based on the classification scheme VCGS_Germline_v1.3.4, this variant is classified as Likely pathogenic. Following criteria are met: 0102 - Loss of function is a known mechanism of disease in this gene and is associated with lethal congenital contracture syndrome 9 (MIM#616503). (I) 0106 - This gene is associated with autosomal recessive disease. (I) 0200 - Variant is predicted to result in a missense amino acid change from valine to glutamic acid. (I) 0252 - This variant is homozygous. (I) 0301 - Variant is absent from gnomAD (both v2 and v3). (SP) 0309 - An alternative amino acid change at the same position has been observed in gnomAD (v3) (1 heterozygotes, 0 homozygotes). (I) 0501 - Missense variant consistently predicted to be damaging by multiple in silico tools or highly conserved with a major amino acid change. (SP) 0600 - Variant is located in the annotated GAIN domain (PMID: 26004201). (I) 0705 - No comparable missense variants have previous evidence for pathogenicity. (I) 0807 - This variant has no previous evidence of pathogenicity. This family has been reported in PMID: 26004201. (I) 0905 - No published segregation evidence has been identified for this variant. (I) 1002 - This variant has moderate functional evidence supporting abnormal protein function. Functional studies using transfected HEK cells showed this variant greatly reduced autoproteolytic cleavage of GPR126 protein (PMID: 26004201). In addition, evaluation of the proband’s psoas muscle revealed an almost complete absence of myelin basic protein (PMID: 26004201). (I) Legend: (SP) - Supporting pathogenic, (I) - Information, (SB) - Supporting benign

Harry Perkins Institute Of Medical Research, University Of Western Australia
Classification: Pathogenic for Arthrogryposis multiplex congenita. Last evaluated: 2014-12-01. Review status: criteria provided, single submitter. Criteria: Submitter's publication. Collection method: clinical testing. Allele origin: germline. Affected: yes and no. Observed: 2 heterozygotes, 2 homozygotes.

OMIM
Classification: Pathogenic for LETHAL CONGENITAL CONTRACTURE SYNDROME 9. Last evaluated: 2015-06-04. Review status: no assertion criteria provided. Collection method: literature only. Allele origin: germline. Not counted in ClinVar's aggregate classification.

Literature cited by the submitters: PubMed 26004201 (cited by Victorian Clinical Genetics Services, Murdoch Childrens Research Institute and OMIM).

NM_198569.3(ADGRG6):c.2306T>A (p.Val769Glu)

Gene: ADGRG6 (adhesion G protein-coupled receptor G6; plus strand). Cytogenetic location: 6q24.2.
Variant type: single nucleotide variant.
Coding change: c.2306T>A on transcript NM_198569.3 (MANE Select); coding-DNA position 2306, T replaced by A.
Protein change: p.Val769Glu; replaces valine 769 with glutamic acid.
Molecular consequence: missense variant.
Genome position (GRCh38, 1-based): chr6:142,408,187, T>A. VCF-style: chr6-142408187-T-A. GRCh37 (hg19) VCF-style: chr6-142729324-T-A.
Other names: c.2222T>A, p.Val741Glu (NM_001032394.3, NM_001032395.3); c.2306T>A, p.Val769Glu (NM_020455.6); short protein forms V769E.
Identifiers: ClinVar variation 192349 (VCV000192349.3), dbSNP rs793888525, ClinGen allele CA200214.
Genomic context (GRCh38, chr6:142,408,187, plus strand): 5'-CGCGATTTTTTTTTCTTTAAAAGGATGTAGGACCCCAAAGAAAAACTTTAGTGAGTTATG[T>A]GATGGCGTGCAGTATTGGAAACATTACTATCCAGAATCTGAAGGATCCTGTTCAAATAAA-3'
Protein context (NP_940971.2, residues 759-779): GPQRKTLVSY[Val769Glu]MACSIGNITI